The following is an entry in ClinVar:

ClinVar aggregate classification (germline): Uncertain significance (1 of 4 stars; one submission).

gnomAD v4.1: 2 of 1,521,898 alleles (0.00013%); highest among the groups gnomAD compares: South Asian, 0.0024%; no homozygotes.

Submission:

Ambry Genetics
Classification: Uncertain significance. Last evaluated: 2025-06-27. Review status: criteria provided, single submitter. Criteria: Ambry Variant Classification Scheme 2023. Collection method: clinical testing. Allele origin: germline.
Comment: The p.P115Q variant (also known as c.344C>A), located in coding exon 1 of the PALLD gene, results from a C to A substitution at nucleotide position 344. The proline at codon 115 is replaced by glutamine, an amino acid with similar properties. This amino acid position is conserved. In addition, this alteration is predicted to be tolerated by in silico analysis. Based on the available evidence, the clinical significance of this variant remains unclear.

NM_001166108.2(PALLD):c.1965-12687C>A

Gene: PALLD (palladin, cytoskeletal associated protein; plus strand). Cytogenetic location: 4q32.3.
Variant type: single nucleotide variant.
Coding change: c.1965-12687C>A on transcript NM_001166108.2 (MANE Select); 12687 bases into the intron before coding-DNA position 1965, C replaced by A.
Molecular consequence: intron variant. On other transcripts: missense variant (1).
Genome position (GRCh38, 1-based): chr4:168,878,235, C>A. VCF-style: chr4-168878235-C-A. GRCh37 (hg19) VCF-style: chr4-169799386-C-A.
Other names: c.344C>A, p.Pro115Gln (NM_001166110.2); c.1965-12687C>A (NM_016081.4); c.819-12687C>A (NM_001166109.2); c.-157-12687C>A (NM_001367570.1, NM_001367568.1, NM_001367567.1 and 1 more transcripts); short protein forms P115Q.
Identifiers: ClinVar variation 4130394 (VCV004130394.1).